The following is an entry in ClinVar:

ClinVar aggregate classification (germline): Uncertain significance (1 of 4 stars; one submission).

Conditions:
Epidermolysis bullosa simplex 3, localized or generalized intermediate, with BP230 deficiency (EBS3). Also called: Epidermolysis bullosa simplex due to BP230 deficiency; Epidermolysis bullosa simplex, autosomal recessive 2. Identifiers: Orphanet 412181, MedGen C3809470, MONDO:0014180, OMIM 615425.
Hereditary sensory and autonomic neuropathy type 6. Also called: HSAN VI; Neuropathy, hereditary sensory and autonomic, type VI. Identifiers: Orphanet 314381, MedGen C3539003, MONDO:0013839, OMIM 614653.

Allele frequency attached by ClinVar (database versions not stated): gnomAD 0.00004 and 0.00005; TOPMed 0.00004; ESP Exome Variant Server 0.00008; gnomAD exomes 0.00008 and 0.00012; ExAC 0.00015.
gnomAD v4.1: 123 of 1,610,494 alleles (0.0076%); highest among the groups gnomAD compares: South Asian, 0.053%; no homozygotes.

Submission:

Labcorp Genetics (formerly Invitae), Labcorp
Classification: Uncertain significance for Epidermolysis bullosa simplex 3, localized or generalized intermediate, with BP230 deficiency; Hereditary sensory and autonomic neuropathy type 6. Last evaluated: 2024-01-24. Review status: criteria provided, single submitter. Criteria: Invitae Variant Classification Sherloc (09022015). Collection method: clinical testing. Allele origin: germline.
Comment: The DST gene has multiple clinically relevant transcripts. This variant occurs in alternate transcript NM_015548.4, and corresponds to NM_001723.5:c.*55193C>T in the primary transcript. This sequence change replaces proline, which is neutral and non-polar, with serine, which is neutral and polar, at codon 2181 of the DST protein (p.Pro2181Ser). This variant is present in population databases (rs368820405, gnomAD 0.05%). This variant has not been reported in the literature in individuals affected with DST-related conditions. ClinVar contains an entry for this variant (Variation ID: 665008). Experimental studies and prediction algorithms are not available or were not evaluated, and the functional significance of this variant is currently unknown. In summary, the available evidence is currently insufficient to determine the role of this variant in disease. Therefore, it has been classified as a Variant of Uncertain Significance.

NM_001374736.1(DST):c.14410C>T (p.Pro4804Ser)

Gene: DST (dystonin; minus strand). Cytogenetic location: 6p12.1.
Variant type: single nucleotide variant.
Coding change: c.14410C>T on transcript NM_001374736.1 (MANE Select); coding-DNA position 14410, C replaced by T.
Protein change: p.Pro4804Ser; replaces proline 4804 with serine.
Molecular consequence: missense variant.
Genome position (GRCh38, 1-based): chr6:56,560,324, G>A on the plus strand (C>T on the coding strand, the complement: DST is on the minus strand). VCF-style: chr6-56560324-G-A. GRCh37 (hg19) VCF-style: chr6-56425122-G-A.
Other names: c.8053C>T, p.Pro2685Ser (NM_001144769.5); c.7639C>T, p.Pro2547Ser (NM_001144770.2); c.14410C>T, p.Pro4804Ser (NM_001374722.1); c.13777C>T, p.Pro4593Ser (NM_001374729.1); c.7519C>T, p.Pro2507Ser (NM_001374730.1, NM_001386100.1, NM_183380.4); c.14437C>T, p.Pro4813Ser (NM_001374734.1); c.6541C>T, p.Pro2181Ser (NM_015548.5); short protein forms P2181S, P2507S, P2547S, P2685S, P4593S, P4804S, P4813S.
Identifiers: ClinVar variation 665008 (VCV000665008.7), dbSNP rs368820405, ClinGen allele CA3868032.